The following is an entry in ClinVar:

ClinVar aggregate classification (germline): Uncertain significance. Review status: criteria provided, multiple submitters, no conflicts (2 of 4 stars). 2 submissions from 2 submitters: Uncertain significance (2). Last evaluated 2025-05-25.

Conditions:
Cardiomyopathy (CMYO). Also called: Cardiomyopathies. Identifiers: Orphanet 167848, MedGen C0878544, MONDO:0004994, HP:0001638. Inheritance: Various modes of inheritance.
Catecholaminergic polymorphic ventricular tachycardia 1. Also called: VENTRICULAR TACHYCARDIA, CATECHOLAMINERGIC POLYMORPHIC, 1, WITH OR WITHOUT ATRIAL DYSFUNCTION AND/OR DILATED CARDIOMYOPATHY; VENTRICULAR TACHYCARDIA, STRESS-INDUCED POLYMORPHIC 1; RYR2-Related Catecholaminergic Polymorphic Ventricular Tachycardia. Identifiers: Orphanet 3286, MedGen C1631597, MONDO:0011484, OMIM 604772.

Allele frequency attached by ClinVar (database versions not stated): gnomAD exomes below 0.00001; ExAC 0.00006.
gnomAD v4.1: 4 of 1,596,792 alleles (0.00025%); no homozygotes.

Submissions (2):

Color Diagnostics, LLC DBA Color Health
Classification: Uncertain significance for Cardiomyopathy. Last evaluated: 2025-05-25. Review status: criteria provided, single submitter. Criteria: ACMG Guidelines, 2015. Collection method: clinical testing. Allele origin: germline.
Comment: This variant is located in the RYR2 protein. To our knowledge, functional studies have not been reported for this variant. This variant has not been reported in individuals affected with RYR2-related disorders in the literature. This variant has not been identified in the general population by the Genome Aggregation Database (gnomAD). The available evidence is insufficient to determine the role of this variant in disease conclusively. Therefore, this variant is classified as a Variant of Uncertain Significance.

Labcorp Genetics (formerly Invitae), Labcorp
Classification: Uncertain significance for Catecholaminergic polymorphic ventricular tachycardia 1. Last evaluated: 2020-02-12. Review status: criteria provided, single submitter. Criteria: Invitae Variant Classification Sherloc (09022015). Collection method: clinical testing. Allele origin: germline.
Comment: This sequence change affects codon 43 of the RYR2 mRNA. It is a 'silent' change, meaning that it does not change the encoded amino acid sequence of the RYR2 protein. This variant is present in population databases (rs749566745, ExAC 0.01%). This variant has not been reported in the literature in individuals with RYR2-related conditions. Algorithms developed to predict the effect of sequence changes on RNA splicing suggest that this variant may create or strengthen a splice site, but this prediction has not been confirmed by published transcriptional studies. In summary, the available evidence is currently insufficient to determine the role of this variant in disease. Therefore, it has been classified as a Variant of Uncertain Significance.

NM_001035.3(RYR2):c.129C>T (p.Gly43=)

Gene: RYR2 (ryanodine receptor 2; plus strand). Cytogenetic location: 1q43.
Variant type: single nucleotide variant.
Coding change: c.129C>T on transcript NM_001035.3 (MANE Select); coding-DNA position 129, C replaced by T.
Protein change: p.Gly43=; no amino-acid change (glycine 43 retained).
Molecular consequence: synonymous variant.
Genome position (GRCh38, 1-based): chr1:237,270,577, C>T. VCF-style: chr1-237270577-C-T. GRCh37 (hg19) VCF-style: chr1-237433877-C-T.
Identifiers: ClinVar variation 858506 (VCV000858506.49), dbSNP rs749566745, ClinGen allele CA071729.